The following is an entry in ClinVar:

ClinVar aggregate classification (germline): Conflicting classifications of pathogenicity. Review status: criteria provided, conflicting classifications (1 of 4 stars). 7 submissions from 7 submitters: Uncertain significance (2); Likely benign (3). 2 of the submissions do not count toward it. Last evaluated 2026-01-20.

Conditions:
Ehlers-Danlos syndrome, dermatosparaxis type. Also called: Dermatosparaxis; EDS VIIC; Ehlers-Danlos syndrome, type VII, autosomal recessive. Identifiers: Orphanet 1901, MedGen C2700425, MONDO:0009161, OMIM 225410.
ADAMTS2-related disorder. Also called: ADAMTS2-related condition.
Inborn genetic diseases. Identifiers: MedGen C0950123, MeSH D030342.

Allele frequency attached by ClinVar (database versions not stated): gnomAD exomes 0.00010; TOPMed 0.00111; 1000 Genomes Project 0.00120; gnomAD 0.00123 and 0.00131; 1000 Genomes Project 30x 0.00141.
gnomAD v4.1: 285 of 1,143,624 alleles (0.025%); highest among the groups gnomAD compares: African/African-American, 0.43%; 1 homozygote.

Submissions (7):

Labcorp Genetics (formerly Invitae), Labcorp
Classification: Likely benign for Ehlers-Danlos syndrome, dermatosparaxis type. Last evaluated: 2026-01-20. Review status: criteria provided, single submitter. Criteria: Invitae Variant Classification Sherloc (09022015). Collection method: clinical testing. Allele origin: germline.

Women's Health and Genetics/Laboratory Corporation of America, LabCorp
Classification: Likely benign. Last evaluated: 2025-09-09. Review status: criteria provided, single submitter. Criteria: LabCorp Variant Classification Summary - May 2015. Collection method: clinical testing. Allele origin: germline.
Comment: Variant summary: ADAMTS2 c.94C>T (p.Pro32Ser) results in a non-conservative amino acid change in the encoded protein sequence. Algorithms developed to predict the effect of missense changes on protein structure and function are either unavailable or do not agree on the potential impact of this missense change. The observed variant frequency within African or African-American control individuals in the gnomAD database exceeds the estimated maximal expected allele frequency for disease-causing variants in ADAMTS2. To our knowledge, no occurrence of c.94C>T in individuals affected with ADAMTS2-related conditions and no experimental evidence demonstrating its impact on protein function have been reported. ClinVar contains an entry for this variant (Variation ID: 291050). Based on the evidence outlined above, the variant was classified as likely benign.

Ambry Genetics
Classification: Uncertain significance for Inborn genetic diseases. Last evaluated: 2024-12-04. Review status: criteria provided, single submitter. Criteria: Ambry Variant Classification Scheme 2023. Collection method: clinical testing. Allele origin: germline.

GeneDx
Classification: Likely benign. Last evaluated: 2021-09-16. Review status: criteria provided, single submitter. Criteria: GeneDx Variant Classification Process June 2021. Collection method: clinical testing. Allele origin: germline. Affected: yes.

Eurofins Ntd Llc (ga)
Classification: Uncertain significance. Last evaluated: 2016-09-12. Review status: criteria provided, single submitter. Criteria: EGL Classification Definitions 2015. Collection method: clinical testing. Allele origin: germline. Observed: 1 variant allele.

PreventionGenetics, part of Exact Sciences
Classification: Likely benign for ADAMTS2-related condition. Last evaluated: 2024-02-09. Review status: no assertion criteria provided. Collection method: clinical testing. Allele origin: germline. Not counted in ClinVar's aggregate classification.
Comment: This variant is classified as likely benign based on ACMG/AMP sequence variant interpretation guidelines (Richards et al. 2015 PMID: 25741868, with internal and published modifications).

Natera, Inc.
Classification: Likely benign for Ehlers-Danlos syndrome type VIIC. Last evaluated: 2020-04-20. Review status: no assertion criteria provided. Collection method: clinical testing. Allele origin: germline. Not counted in ClinVar's aggregate classification.

NM_014244.5(ADAMTS2):c.94C>T (p.Pro32Ser)

Gene: ADAMTS2 (ADAM metallopeptidase with thrombospondin type 1 motif 2; minus strand). Cytogenetic location: 5q35.3.
Variant type: single nucleotide variant.
Coding change: c.94C>T on transcript NM_014244.5 (MANE Select); coding-DNA position 94, C replaced by T.
Protein change: p.Pro32Ser; replaces proline 32 with serine.
Molecular consequence: missense variant.
Genome position (GRCh38, 1-based): chr5:179,345,235, G>A on the plus strand (C>T on the coding strand, the complement: ADAMTS2 is on the minus strand). VCF-style: chr5-179345235-G-A. GRCh37 (hg19) VCF-style: chr5-178772236-G-A.
Other names: c.94C>T, p.Pro32Ser (NM_021599.4); short protein forms P32S.
Identifiers: ClinVar variation 291050 (VCV000291050.23), dbSNP rs547548078, ClinGen allele CA10607001.